The following is an entry in ClinVar:

ClinVar aggregate classification (germline): Likely pathogenic. Review status: criteria provided, single submitter (1 of 4 stars). 2 submissions from 2 submitters: Likely pathogenic (1). 1 of the submissions does not count toward it. Last evaluated 2023-07-07.

Conditions:
CTLA4-related disorder. Also called: CTLA4-related condition.

Submissions (2):

Blueprint Genetics
Classification: Likely pathogenic for CTLA4-related disorders. Last evaluated: 2023-07-07. Review status: criteria provided, single submitter. Criteria: ACMG Guidelines, 2015. Collection method: clinical testing. Allele origin: germline. Affected: yes. Observed: 1 variant allele.

PreventionGenetics, part of Exact Sciences
Classification: Pathogenic for CTLA4-related condition. Last evaluated: 2023-10-19. Review status: no assertion criteria provided. Collection method: clinical testing. Allele origin: germline. Not counted in ClinVar's aggregate classification.
Comment: The CTLA4 c.457+1G>A variant is predicted to disrupt the GT donor site and interfere with normal splicing. This variant has been reported in an individual with Inflammatory bowel disease (Crowley et al. 2020. PubMed ID: 32084423. Table S6). This variant has not been reported in a large population database, indicating this variant is rare. Variants that disrupt the consensus splice donor site in CTLA4 are expected to be pathogenic. This variant is interpreted as pathogenic.

NM_005214.5(CTLA4):c.457+1G>A

Gene: CTLA4 (cytotoxic T-lymphocyte associated protein 4; plus strand). Cytogenetic location: 2q33.2.
Variant type: single nucleotide variant.
Coding change: c.457+1G>A on transcript NM_005214.5 (MANE Select); the canonical splice donor site of the intron after coding-DNA position 457, G replaced by A.
Molecular consequence: splice donor variant.
Genome position (GRCh38, 1-based): chr2:203,870,934, G>A. VCF-style: chr2-203870934-G-A. GRCh37 (hg19) VCF-style: chr2-204735657-G-A.
Other names: c.457+1G>A (NM_001037631.3).
Identifiers: ClinVar variation 3033903 (VCV003033903.3), dbSNP rs2469719729, ClinGen allele CA350138846.